The following is an entry in ClinVar:

ClinVar aggregate classification (germline): Pathogenic (1 of 4 stars; one submission).

Submission:

Quest Diagnostics Nichols Institute San Juan Capistrano
Classification: Pathogenic. Last evaluated: 2022-11-05. Review status: criteria provided, single submitter. Criteria: ACMG/ClinGen CNV Guidelines, 2019. Collection method: clinical testing. Allele origin: unknown.
Comment: This deletion involves exons 46-47 of DMD gene (OMIM 300377; NM_004006.3) and results in a reading frame shift. Loss-of-function variants in DMD cause X-linked dystrophinopathies, including Becker Muscular Dystrophy (BMD; OMIM 300376), Duchenne Muscular Dystrophy (DMD; OMIM 310200), and DMD-Associated Dilated Cardiomyopathy (OMIM 302045). In addition, carrier females might be at risk for dilated cardiomyopathy (DCM) (Darras BT et al., GeneReviews [Internet].

GRCh37/hg19 Xp21.1(chrX:31894316-31976319)x1

Gene: DMD (dystrophin; minus strand). Cytogenetic location: Xp21.1.
Variant type: copy number loss.
Change: copy number 1 of chrX:31,894,316-31,976,319 (82.0 kb, GRCh37 coordinates, 1-based), cytogenetic band Xp21.1.
Identifiers: ClinVar variation 2685704 (VCV002685704.1).